The following is an entry in ClinVar:

ClinVar aggregate classification (germline): Uncertain significance (1 of 4 stars; one submission).

Conditions:
Hereditary nonpolyposis colorectal neoplasms. Identifiers: MedGen C0009405, MeSH D003123.

Submission:

Labcorp Genetics (formerly Invitae), Labcorp
Classification: Uncertain significance for Hereditary nonpolyposis colorectal neoplasms. Last evaluated: 2022-08-06. Review status: criteria provided, single submitter. Criteria: Invitae Variant Classification Sherloc (09022015). Collection method: clinical testing. Allele origin: germline.
Comment: This sequence change replaces lysine, which is basic and polar, with glutamine, which is neutral and polar, at codon 829 of the PMS2 protein (p.Lys829Gln). The frequency data for this variant in the population databases (gnomAD) is considered unreliable due to the presence of homologous sequence, such as pseudogenes or paralogs, in the genome. This variant has not been reported in the literature in individuals affected with PMS2-related conditions. Advanced modeling of protein sequence and biophysical properties (such as structural, functional, and spatial information, amino acid conservation, physicochemical variation, residue mobility, and thermodynamic stability) performed at Invitae indicates that this missense variant is not expected to disrupt PMS2 protein function. In summary, the available evidence is currently insufficient to determine the role of this variant in disease. Therefore, it has been classified as a Variant of Uncertain Significance.

NM_000535.7(PMS2):c.2485A>C (p.Lys829Gln)

Gene: PMS2 (PMS1 homolog 2, mismatch repair system component; minus strand). Cytogenetic location: 7p22.1.
Variant type: single nucleotide variant.
Coding change: c.2485A>C on transcript NM_000535.7 (MANE Select); coding-DNA position 2485, A replaced by C.
Protein change: p.Lys829Gln; replaces lysine 829 with glutamine.
Molecular consequence: missense variant. On other transcripts: non-coding transcript variant (1).
Genome position (GRCh38, 1-based): chr7:5,973,503, T>G on the plus strand (A>C on the coding strand, the complement: PMS2 is on the minus strand). VCF-style: chr7-5973503-T-G. GRCh37 (hg19) VCF-style: chr7-6013134-T-G.
Other names: c.2200A>C, p.Lys734Gln (NM_001406876.1); c.2176A>C, p.Lys726Gln (NM_001406877.1, NM_001406878.1, NM_001406879.1 and 4 more transcripts); c.2167A>C, p.Lys723Gln (NM_001406883.1, NM_001322007.2, NM_001322008.2); c.2161A>C, p.Lys721Gln (NM_001406884.1); c.2149A>C, p.Lys717Gln (NM_001406885.1); c.2119A>C, p.Lys707Gln (NM_001406886.1); c.2113A>C, p.Lys705Gln (NM_001406887.1, NM_001406888.1, NM_001322009.2); c.2080A>C, p.Lys694Gln (NM_001406889.1, NM_001406890.1, NM_001406891.1 and 12 more transcripts); and 20 more; short protein forms K658Q, K667Q, K674Q, K717Q, K723Q, K734Q, K642Q, K671Q.
Identifiers: ClinVar variation 1934069 (VCV001934069.5), dbSNP rs2535196602, ClinGen allele CA366734957.